The following is an entry in ClinVar:

ClinVar aggregate classification (germline): Uncertain significance. Review status: criteria provided, multiple submitters, no conflicts (2 of 4 stars). 2 submissions from 2 submitters: Uncertain significance (2). Last evaluated 2022-03-26.

Conditions:
Severe combined immunodeficiency due to DNA-PKcs deficiency. Also called: IMMUNODEFICIENCY 26 WITH NEUROLOGIC ABNORMALITIES; Immunodeficiency 26 with or without neurologic abnormalities. Identifiers: Orphanet 317425, MedGen C4014833, MONDO:0014423, OMIM 615966.

Allele frequency attached by ClinVar (database versions not stated): gnomAD 0.00001; gnomAD exomes 0.00002; TOPMed 0.00002.
gnomAD v4.1: 23 of 1,543,478 alleles (0.0015%); highest among the groups gnomAD compares: East Asian, 0.0023%; no homozygotes.

Submissions (2):

Labcorp Genetics (formerly Invitae), Labcorp
Classification: Uncertain significance for Severe combined immunodeficiency due to DNA-PKcs deficiency. Last evaluated: 2022-03-26. Review status: criteria provided, single submitter. Criteria: Invitae Variant Classification Sherloc (09022015). Collection method: clinical testing. Allele origin: germline.
Comment: This sequence change replaces arginine, which is basic and polar, with cysteine, which is neutral and slightly polar, at codon 1136 of the PRKDC protein (p.Arg1136Cys). The frequency data for this variant in the population databases is considered unreliable, as metrics indicate poor data quality at this position in the gnomAD database. This variant has not been reported in the literature in individuals affected with PRKDC-related conditions. Experimental studies and prediction algorithms are not available or were not evaluated, and the functional significance of this variant is currently unknown. In summary, the available evidence is currently insufficient to determine the role of this variant in disease. Therefore, it has been classified as a Variant of Uncertain Significance.

Ambry Genetics
Classification: Uncertain significance. Last evaluated: 2021-08-28. Review status: criteria provided, single submitter. Criteria: Ambry Variant Classification Scheme 2023. Collection method: clinical testing. Allele origin: germline.
Comment: The p.R1136C variant (also known as c.3406C>T), located in coding exon 29 of the PRKDC gene, results from a C to T substitution at nucleotide position 3406. The arginine at codon 1136 is replaced by cysteine, an amino acid with highly dissimilar properties. This amino acid position is conserved. In addition, the in silico prediction for this alteration is inconclusive. Since supporting evidence is limited at this time, the clinical significance of this alteration remains unclear.

NM_006904.7(PRKDC):c.3406C>T (p.Arg1136Cys)

Gene: PRKDC (protein kinase, DNA-activated, catalytic subunit; minus strand). Cytogenetic location: 8q11.21.
Variant type: single nucleotide variant.
Coding change: c.3406C>T on transcript NM_006904.7 (MANE Select); coding-DNA position 3406, C replaced by T.
Protein change: p.Arg1136Cys; replaces arginine 1136 with cysteine.
Molecular consequence: missense variant.
Genome position (GRCh38, 1-based): chr8:47,898,528, G>A on the plus strand (C>T on the coding strand, the complement: PRKDC is on the minus strand). VCF-style: chr8-47898528-G-A. GRCh37 (hg19) VCF-style: chr8-48811088-G-A.
Other names: c.3406C>T, p.Arg1136Cys (NM_001081640.2); short protein forms R1136C.
Identifiers: ClinVar variation 1500398 (VCV001500398.5), dbSNP rs1290541476, ClinGen allele CA371154637.